The following is an entry in ClinVar:

NM_005708.5(GPC6):c.1496G>A (p.Ser499Asn)

Gene: GPC6 (glypican 6; plus strand). Cytogenetic location: 13q32.1.
Variant type: single nucleotide variant.
Coding change: c.1496G>A on transcript NM_005708.5 (MANE Select); coding-DNA position 1496, G replaced by A.
Protein change: p.Ser499Asn; replaces serine 499 with asparagine.
Molecular consequence: missense variant.
Genome position (GRCh38, 1-based): chr13:94,403,045, G>A. VCF-style: chr13-94403045-G-A. GRCh37 (hg19) VCF-style: chr13-95055299-G-A.
Other names: short protein forms S499N.
Identifiers: ClinVar variation 312552 (VCV000312552.14), dbSNP rs374652762, ClinGen allele CA7017205.
Genomic context (GRCh38, chr13:94,403,045, plus strand): 5'-TAACTTTCTTTTTCAATCTTTCCACACTAGGTGATGAATCCAGTGGCTCAGGGAGTGGCA[G>A]TGGGTGCATGGATGACGTGTGTCCCACGGAGTTTGAGTTTGTCACCACAGAGGCCCCCGC-3'
Protein context (NP_005699.1, residues 489-509): SDESSGSGSG[Ser499Asn]GCMDDVCPTE

ClinVar aggregate classification (germline): Uncertain significance. Review status: criteria provided, multiple submitters, no conflicts (2 of 4 stars). 3 submissions from 3 submitters: Uncertain significance (3). Last evaluated 2023-10-30.

Conditions:
Inborn genetic diseases. Identifiers: MedGen C0950123, MeSH D030342.
Autosomal recessive omodysplasia (OMOD1). Also called: MICROMELIC DYSPLASIA, CONGENITAL, WITH DISLOCATION OF RADIUS. Identifiers: Orphanet 2733, Orphanet 93329, MedGen C1850318, MONDO:0009779, OMIM 258315.

Allele frequency attached by ClinVar (database versions not stated): gnomAD exomes below 0.00001 and 0.00001; ExAC 0.00001; gnomAD 0.00002; TOPMed 0.00002; ESP Exome Variant Server 0.00008.
gnomAD v4.1: 24 of 1,613,382 alleles (0.0015%); highest among the groups gnomAD compares: Non-Finnish European, 0.002%; no homozygotes.

Submissions (3):

Ambry Genetics
Classification: Uncertain significance for Inborn genetic diseases. Last evaluated: 2023-10-30. Review status: criteria provided, single submitter. Criteria: Ambry Variant Classification Scheme 2023. Collection method: clinical testing. Allele origin: germline.

Labcorp Genetics (formerly Invitae), Labcorp
Classification: Uncertain significance. Last evaluated: 2022-09-19. Review status: criteria provided, single submitter. Criteria: Invitae Variant Classification Sherloc (09022015). Collection method: clinical testing. Allele origin: germline.
Comment: In summary, the available evidence is currently insufficient to determine the role of this variant in disease. Therefore, it has been classified as a Variant of Uncertain Significance. Advanced modeling of protein sequence and biophysical properties (such as structural, functional, and spatial information, amino acid conservation, physicochemical variation, residue mobility, and thermodynamic stability) performed at Invitae indicates that this missense variant is not expected to disrupt GPC6 protein function. ClinVar contains an entry for this variant (Variation ID: 312552). This variant has not been reported in the literature in individuals affected with GPC6-related conditions. This variant is present in population databases (rs374652762, gnomAD 0.0009%). This sequence change replaces serine, which is neutral and polar, with asparagine, which is neutral and polar, at codon 499 of the GPC6 protein (p.Ser499Asn).

Illumina Laboratory Services, Illumina
Classification: Uncertain significance for Autosomal recessive omodysplasia. Last evaluated: 2018-01-13. Review status: criteria provided, single submitter. Criteria: ICSL Variant Classification Criteria 13 December 2019. Collection method: clinical testing. Allele origin: germline.